The following is an entry in ClinVar:

NM_000237.3(LPL):c.59C>T (p.Ala20Val)

Gene: LPL (lipoprotein lipase; plus strand). Cytogenetic location: 8p21.3.
Variant type: single nucleotide variant.
Coding change: c.59C>T on transcript NM_000237.3 (MANE Select); coding-DNA position 59, C replaced by T.
Protein change: p.Ala20Val; replaces alanine 20 with valine.
Molecular consequence: missense variant.
Genome position (GRCh38, 1-based): chr8:19,939,499, C>T. VCF-style: chr8-19939499-C-T. GRCh37 (hg19) VCF-style: chr8-19797010-C-T.
Other names: short protein forms A20V.
Identifiers: ClinVar variation 753489 (VCV000753489.13), dbSNP rs572477224, ClinGen allele CA4655274.

ClinVar aggregate classification (germline): Likely benign. Review status: criteria provided, single submitter (1 of 4 stars). 3 submissions from 3 submitters: Likely benign (1). 2 of the submissions do not count toward it. Last evaluated 2026-01-17.

Conditions:
LPL-related disorder. Also called: LPL-related condition.
Hyperlipoproteinemia, type I. Also called: Lipoprotein Lipase Deficiency; HYPERLIPOPROTEINEMIA, TYPE IA; LPL DEFICIENCY; Hyperlipoproteinemia type 1; Hyperchylomicro-nemia familial; Familial chylomicronemia. Identifiers: Orphanet 309015, Orphanet 444490, MedGen C0023817, MONDO:0009387, OMIM 238600. Disease mechanism: loss of function.

Allele frequency attached by ClinVar (database versions not stated): gnomAD 0.00010 and below 0.00001; gnomAD exomes 0.00017 and 0.00036; 1000 Genomes Project 30x 0.00062; ExAC 0.00061; TOPMed 0.00002; 1000 Genomes Project 0.00060.
gnomAD v4.1: 258 of 1,610,446 alleles (0.016%); highest among the groups gnomAD compares: South Asian, 0.27%; 4 homozygotes.

Submissions (3):

Labcorp Genetics (formerly Invitae), Labcorp
Classification: Likely benign. Last evaluated: 2026-01-17. Review status: criteria provided, single submitter. Criteria: Invitae Variant Classification Sherloc (09022015). Collection method: clinical testing. Allele origin: germline.

PreventionGenetics, part of Exact Sciences
Classification: Likely benign for LPL-related condition. Last evaluated: 2023-03-16. Review status: no assertion criteria provided. Collection method: clinical testing. Allele origin: germline. Not counted in ClinVar's aggregate classification.
Comment: This variant is classified as likely benign based on ACMG/AMP sequence variant interpretation guidelines (Richards et al. 2015 PMID: 25741868, with internal and published modifications).

Natera, Inc.
Classification: Uncertain significance for Lipoprotein lipase deficiency. Last evaluated: 2020-01-17. Review status: no assertion criteria provided. Collection method: clinical testing. Allele origin: germline. Not counted in ClinVar's aggregate classification.